The following is an entry in ClinVar:

ClinVar aggregate classification (germline): Uncertain significance (1 of 4 stars; one submission).

Allele frequency attached by ClinVar (database versions not stated): TOPMed 0.00003; ESP Exome Variant Server 0.00008.
gnomAD v4.1: 3 of 1,598,904 alleles (0.00019%); highest among the groups gnomAD compares: African/African-American, 0.0013%; no homozygotes.

Submission:

Labcorp Genetics (formerly Invitae), Labcorp
Classification: Uncertain significance. Last evaluated: 2022-10-27. Review status: criteria provided, single submitter. Criteria: Invitae Variant Classification Sherloc (09022015). Collection method: clinical testing. Allele origin: germline.
Comment: This variant has not been reported in the literature in individuals affected with ACAN-related conditions. Advanced modeling of protein sequence and biophysical properties (such as structural, functional, and spatial information, amino acid conservation, physicochemical variation, residue mobility, and thermodynamic stability) performed at Invitae indicates that this missense variant is not expected to disrupt ACAN protein function. In summary, the available evidence is currently insufficient to determine the role of this variant in disease. Therefore, it has been classified as a Variant of Uncertain Significance. This variant is not present in population databases (gnomAD no frequency). This sequence change replaces valine, which is neutral and non-polar, with methionine, which is neutral and non-polar, at codon 154 of the ACAN protein (p.Val154Met).

NM_001369268.1(ACAN):c.460G>A (p.Val154Met)

Gene: ACAN (aggrecan; plus strand). Cytogenetic location: 15q26.1.
Variant type: single nucleotide variant.
Coding change: c.460G>A on transcript NM_001369268.1 (MANE Select); coding-DNA position 460, G replaced by A.
Protein change: p.Val154Met; replaces valine 154 with methionine.
Molecular consequence: missense variant.
Genome position (GRCh38, 1-based): chr15:88,840,017, G>A. VCF-style: chr15-88840017-G-A. GRCh37 (hg19) VCF-style: chr15-89383248-G-A.
Other names: c.460G>A, p.Val154Met (NM_001135.4, NM_001411096.1, NM_001411097.1 and 1 more transcripts); short protein forms V154M.
Identifiers: ClinVar variation 1974221 (VCV001974221.5), dbSNP rs370113313, ClinGen allele CA274504219.